The following is an entry in ClinVar:

NM_020312.4(COQ9):c.513C>T (p.Gly171=)

Gene: COQ9 (coenzyme Q9; plus strand). Cytogenetic location: 16q21.
Variant type: single nucleotide variant.
Coding change: c.513C>T on transcript NM_020312.4 (MANE Select); coding-DNA position 513, C replaced by T.
Protein change: p.Gly171=; no amino-acid change (glycine 171 retained).
Molecular consequence: synonymous variant.
Genome position (GRCh38, 1-based): chr16:57,456,638, C>T. VCF-style: chr16-57456638-C-T. GRCh37 (hg19) VCF-style: chr16-57490550-C-T.
Other names: c.513C>T (NM_020312.3).
Identifiers: ClinVar variation 1405494 (VCV001405494.10), dbSNP rs144219851, ClinGen allele CA8076226.

ClinVar aggregate classification (germline): Likely benign. Review status: criteria provided, single submitter (1 of 4 stars). 2 submissions from 2 submitters: Likely benign (1). 1 of the submissions does not count toward it. Last evaluated 2026-01-27.

Conditions:
COQ9-related disorder. Also called: COQ9-related condition.

Allele frequency attached by ClinVar (database versions not stated): gnomAD exomes 0.00002 and 0.00004; ExAC 0.00005; gnomAD 0.00014 and 0.00016; ESP Exome Variant Server 0.00015; 1000 Genomes Project 30x 0.00016; TOPMed 0.00016; 1000 Genomes Project 0.00020.
gnomAD v4.1: 49 of 1,613,700 alleles (0.003%); highest among the groups gnomAD compares: African/African-American, 0.059%; no homozygotes.

Submissions (2):

Labcorp Genetics (formerly Invitae), Labcorp
Classification: Likely benign. Last evaluated: 2026-01-27. Review status: criteria provided, single submitter. Criteria: Invitae Variant Classification Sherloc (09022015). Collection method: clinical testing. Allele origin: germline.

PreventionGenetics, part of Exact Sciences
Classification: Likely benign for COQ9-related condition. Last evaluated: 2023-07-07. Review status: no assertion criteria provided. Collection method: clinical testing. Allele origin: germline. Not counted in ClinVar's aggregate classification.
Comment: This variant is classified as likely benign based on ACMG/AMP sequence variant interpretation guidelines (Richards et al. 2015 PMID: 25741868, with internal and published modifications).